The following is an entry in ClinVar:

ClinVar aggregate classification (germline): Uncertain significance (1 of 4 stars; one submission).

Conditions:
Congenital myasthenic syndrome 12 (CMS12). Also called: MYASTHENIC SYNDROME, CONGENITAL, WITH TUBULAR AGGREGATES 1; Myasthenia, congenital, 12, with tubular aggregates. Identifiers: Orphanet 353327, Orphanet 590, MedGen C3552335, MONDO:0012518, OMIM 610542.

Submission:

Labcorp Genetics (formerly Invitae), Labcorp
Classification: Uncertain significance for Congenital myasthenic syndrome 12. Last evaluated: 2022-12-20. Review status: criteria provided, single submitter. Criteria: Invitae Variant Classification Sherloc (09022015). Collection method: clinical testing. Allele origin: germline.
Comment: In summary, the available evidence is currently insufficient to determine the role of this variant in disease. Therefore, it has been classified as a Variant of Uncertain Significance. Advanced modeling of protein sequence and biophysical properties (such as structural, functional, and spatial information, amino acid conservation, physicochemical variation, residue mobility, and thermodynamic stability) performed at Invitae indicates that this missense variant is not expected to disrupt GFPT1 protein function. This variant has not been reported in the literature in individuals affected with GFPT1-related conditions. This variant is not present in population databases (gnomAD no frequency). This sequence change replaces methionine, which is neutral and non-polar, with isoleucine, which is neutral and non-polar, at codon 358 of the GFPT1 protein (p.Met358Ile).

NM_001244710.2(GFPT1):c.1074G>A (p.Met358Ile)

Gene: GFPT1 (glutamine--fructose-6-phosphate transaminase 1; minus strand). Cytogenetic location: 2p13.3.
Variant type: single nucleotide variant.
Coding change: c.1074G>A on transcript NM_001244710.2 (MANE Select); coding-DNA position 1074, G replaced by A.
Protein change: p.Met358Ile; replaces methionine 358 with isoleucine.
Molecular consequence: missense variant.
Genome position (GRCh38, 1-based): chr2:69,345,935, C>T on the plus strand (G>A on the coding strand, the complement: GFPT1 is on the minus strand). VCF-style: chr2-69345935-C-T. GRCh37 (hg19) VCF-style: chr2-69573067-C-T.
Other names: c.1020G>A, p.Met340Ile (NM_002056.4); short protein forms M340I, M358I.
Identifiers: ClinVar variation 2822510 (VCV002822510.3), dbSNP rs2466069043, ClinGen allele CA347126363.